The following is an entry in ClinVar:

ClinVar aggregate classification (germline): Pathogenic (1 of 4 stars; one submission).

Conditions:
Baller-Gerold syndrome (BGS). Also called: CRANIOSYNOSTOSIS WITH RADIAL DEFECTS. Identifiers: Orphanet 1225, MedGen C0265308, MONDO:0009039, OMIM 218600.

Submission:

Labcorp Genetics (formerly Invitae), Labcorp
Classification: Pathogenic for Baller-Gerold syndrome. Last evaluated: 2023-03-29. Review status: criteria provided, single submitter. Criteria: Invitae Variant Classification Sherloc (09022015). Collection method: clinical testing. Allele origin: unknown.
Comment: For these reasons, this variant has been classified as Pathogenic. This variant disrupts a region of the RECQL4 protein in which other variant(s) (p.Arg1021) have been determined to be pathogenic (PMID: 15897384, 15964893, 23899764, 24635570). This suggests that this is a clinically significant region of the protein, and that variants that disrupt it are likely to be disease-causing. This variant has not been reported in the literature in individuals affected with RECQL4-related conditions. This variant results in the deletion of exons 13-17 and part of exon 18 (NM_004260.3:c.2059-104_3205del) of the RECQL4 gene. It is expected to disrupt RNA splicing. Variants that disrupt the donor or acceptor splice site typically lead to a loss of protein function (PMID: 16199547), and loss-of-function variants in RECQL4 are known to be pathogenic (PMID: 12734318, 12952869).

Literature cited by the submitters: PubMed 15897384; PubMed 15964893; PubMed 23899764; PubMed 24635570; PubMed 16199547; PubMed 12734318; PubMed 12952869.

NC_000008.10:g.(?_145737558)_(145739200_?)del

Gene: RECQL4 (RecQ like helicase 4; minus strand). Cytogenetic location: 8q24.3.
Variant type: Deletion.
Identifiers: ClinVar variation 3245487 (VCV003245487.1).